The following is an entry in ClinVar:

ClinVar aggregate classification (germline): Uncertain significance. Review status: criteria provided, multiple submitters, no conflicts (2 of 4 stars). 2 submissions from 2 submitters: Uncertain significance (2). Last evaluated 2025-08-12.

Allele frequency attached by ClinVar (database versions not stated): gnomAD exomes below 0.00001 and 0.00002; gnomAD 0.00001; TOPMed 0.00002.
gnomAD v4.1: 36 of 1,614,008 alleles (0.0022%); highest among the groups gnomAD compares: Non-Finnish European, 0.003%; no homozygotes.

Submissions (2):

Ambry Genetics
Classification: Uncertain significance. Last evaluated: 2025-08-12. Review status: criteria provided, single submitter. Criteria: Ambry Variant Classification Scheme 2023. Collection method: clinical testing. Allele origin: germline.

Labcorp Genetics (formerly Invitae), Labcorp
Classification: Uncertain significance. Last evaluated: 2024-11-11. Review status: criteria provided, single submitter. Criteria: Invitae Variant Classification Sherloc (09022015). Collection method: clinical testing. Allele origin: germline.
Comment: This sequence change replaces alanine, which is neutral and non-polar, with valine, which is neutral and non-polar, at codon 1077 of the A2ML1 protein (p.Ala1077Val). This variant is present in population databases (no rsID available, gnomAD 0.0009%). This variant has not been reported in the literature in individuals affected with A2ML1-related conditions. ClinVar contains an entry for this variant (Variation ID: 1421389). An algorithm developed to predict the effect of missense changes on protein structure and function outputs the following: PolyPhen-2: "Benign". The valine amino acid residue is found in multiple mammalian species, which suggests that this missense change does not adversely affect protein function. In summary, the available evidence is currently insufficient to determine the role of this variant in disease. Therefore, it has been classified as a Variant of Uncertain Significance.

NM_144670.6(A2ML1):c.3230C>T (p.Ala1077Val)

Gene: A2ML1 (alpha-2-macroglobulin like 1; plus strand). Cytogenetic location: 12p13.31.
Variant type: single nucleotide variant.
Coding change: c.3230C>T on transcript NM_144670.6 (MANE Select); coding-DNA position 3230, C replaced by T.
Protein change: p.Ala1077Val; replaces alanine 1077 with valine.
Molecular consequence: missense variant.
Genome position (GRCh38, 1-based): chr12:8,858,068, C>T. VCF-style: chr12-8858068-C-T. GRCh37 (hg19) VCF-style: chr12-9010664-C-T.
Other names: c.1757C>T, p.Ala586Val (NM_001282424.3); short protein forms A586V, A1077V.
Identifiers: ClinVar variation 1421389 (VCV001421389.12), dbSNP rs964154627, ClinGen allele CA232696368.
Genomic context (GRCh38, chr12:8,858,068, plus strand): 5'-AGAACATCCAGGATGCTCTCAAGTGGATGGCAGGAAACCAGCTCCCCAGTGGCTGCTATG[C>T]CAACGTGGGAAATCTCCTTCACACAGCTATGAAGGTGCGGATCTGTCCAGGAGCCTGCAG-3'
Protein context (NP_653271.3, residues 1067-1087): AGNQLPSGCY[Ala1077Val]NVGNLLHTAM